The following is an entry in ClinVar:

ClinVar aggregate classification (germline): Conflicting classifications of pathogenicity. Review status: criteria provided, conflicting classifications (1 of 4 stars). 9 submissions from 6 submitters: Uncertain significance (4); Benign (3); Likely benign (2). Last evaluated 2026-01-05.

Conditions:
Diabetes mellitus, transient neonatal, 2 (TNDM2). Identifiers: Orphanet 99886, MedGen C1835887, MONDO:0012480, OMIM 610374. Disease mechanism: loss of function.
Hyperinsulinemic hypoglycemia, familial, 1 (HHF1). Also called: HYPERINSULINISM, FAMILIAL, WITH PANCREATIC NESIDIOBLASTOSIS; HYPOGLYCEMIA, HYPERINSULINEMIC, OF INFANCY; Persistent hyperinsulinemic hypoglycemia of infancy; NESIDIOBLASTOSIS OF PANCREAS; Persistent Hyperinsulinemia Hypoglycemia of Infancy. Identifiers: Orphanet 276575, Orphanet 276598, MedGen C2931832, MONDO:0009734, OMIM 256450.
Maturity-onset diabetes of the young (MODY). Also called: Maturity onset diabetes mellitus in young. Identifiers: Orphanet 552, MedGen C0342276, MONDO:0018911, HP:0004904.
Permanent neonatal diabetes mellitus (PNDM). Identifiers: Orphanet 99885, MedGen C1833104, MONDO:0100164, MONDO:0011643. Disease mechanism: gain of function.
Transitory neonatal diabetes mellitus. Also called: Transient neonatal diabetes mellitus. Identifiers: MedGen C0342273, MONDO:0020525, HP:0008255.

Allele frequency attached by ClinVar (database versions not stated): gnomAD 0.00001 and 0.00011; TOPMed 0.00004; ESP Exome Variant Server 0.00008; gnomAD exomes 0.00022 and 0.00042; ExAC 0.00049; 1000 Genomes Project 0.00120; 1000 Genomes Project 30x 0.00125.
gnomAD v4.1: 335 of 1,614,128 alleles (0.021%); highest among the groups gnomAD compares: South Asian, 0.32%; 4 homozygotes.

Submissions (9):

Labcorp Genetics (formerly Invitae), Labcorp
Classification: Benign. Last evaluated: 2026-01-05. Review status: criteria provided, single submitter. Criteria: Invitae Variant Classification Sherloc (09022015). Collection method: clinical testing. Allele origin: germline.

Blueprint Genetics
Classification: Likely benign. Last evaluated: 2024-09-06. Review status: criteria provided, single submitter. Criteria: ACMG Guidelines, 2015. Collection method: clinical testing. Allele origin: germline.

Women's Health and Genetics/Laboratory Corporation of America, LabCorp
Classification: Benign. Last evaluated: 2023-07-03. Review status: criteria provided, single submitter. Criteria: LabCorp Variant Classification Summary - May 2015. Collection method: clinical testing. Allele origin: germline.
Comment: Variant summary: ABCC8 c.3989-10C>T alters a non-conserved nucleotide located close to a canonical splice site and therefore could affect mRNA splicing, leading to a significantly altered protein sequence. 4/4 computational tools predict no significant impact on normal splicing. However, these predictions have yet to be confirmed by functional studies. The variant allele was found at a frequency of 0.00042 in 251402 control chromosomes, predominantly at a frequency of 0.0034 within the South Asian subpopulation in the gnomAD database. The observed variant frequency within South Asian control individuals in the gnomAD database is approximately 163200 fold of the estimated maximal expected allele frequency for a pathogenic variant in ABCC8 causing Neonatal Diabetes Mellitus phenotype (2.1e-08), strongly suggesting that the variant is a benign polymorphism found primarily in populations of South Asian origin. Three submitters have cited clinical-significance assessments for this variant to ClinVar after 2014 and classified the variant as benign/likely benign (n=2) and VUS (n=1). Based on the evidence outlined above, the variant was classified as benign.

Athena Diagnostics
Classification: Uncertain significance. Last evaluated: 2018-09-28. Review status: criteria provided, single submitter. Criteria: Athena Diagnostics Criteria. Collection method: clinical testing. Allele origin: germline.

Illumina Laboratory Services, Illumina
Classification: Benign for Diabetes mellitus, transient neonatal, 2. Last evaluated: 2018-01-12. Review status: criteria provided, single submitter. Criteria: ICSL Variant Classification Criteria 13 December 2019. Collection method: clinical testing. Allele origin: germline.
Comment: This variant was observed in the ICSL laboratory as part of a predisposition screen in an ostensibly healthy population. It had not been previously curated by ICSL or reported in the Human Gene Mutation Database (HGMD: prior to June 1st, 2018), and was therefore a candidate for classification through an automated scoring system. Utilizing variant allele frequency, disease prevalence and penetrance estimates, and inheritance mode, an automated score was calculated to assess if this variant is too frequent to cause the disease. Based on the score and internal cut-off values, a variant classified as benign is not then subjected to further curation. The score for this variant resulted in a classification of benign for this disease.

Illumina Laboratory Services, Illumina
Classification: Likely benign for Permanent neonatal diabetes mellitus 1. Last evaluated: 2018-01-12. Review status: criteria provided, single submitter. Criteria: ICSL Variant Classification Criteria 13 December 2019. Collection method: clinical testing. Allele origin: germline.
Comment: This variant was observed in the ICSL laboratory as part of a predisposition screen in an ostensibly healthy population. It had not been previously curated by ICSL or reported in the Human Gene Mutation Database (HGMD: prior to June 1st, 2018), and was therefore a candidate for classification through an automated scoring system. Utilizing variant allele frequency, disease prevalence and penetrance estimates, and inheritance mode, an automated score was calculated to assess if this variant is too frequent to cause the disease. Based on the score and internal cut-off values, a variant classified as likely benign is not then subjected to further curation. The score for this variant resulted in a classification of likely benign for this disease.

Illumina Laboratory Services, Illumina
Classification: Uncertain significance for Hyperinsulinemic hypoglycemia, familial, 1. Last evaluated: 2018-01-12. Review status: criteria provided, single submitter. Criteria: ICSL Variant Classification Criteria 13 December 2019. Collection method: clinical testing. Allele origin: germline.

Clinical Genomics, Uppaluri K&H Personalized Medicine Clinic
Classification: Uncertain significance for Maturity-onset diabetes of the young. Review status: criteria provided, single submitter. Criteria: K & H Uppaluri Personalized Medicine Clinic Variant Classification & Assertion Criteria_Updated V.1. Collection method: research. Allele origin: somatic. Inheritance: Somatic mutation.
Comment: Mutations in ABCC8 gene are associated with both neonatal diabetes mellitus as well as MODY. Patients with this mutation may have a better response to sulfonylureas. However, no sufficient evidence is found to ascertain the role of this particular variant (rs373737642) in MODY yet.

Clinical Genomics, Uppaluri K&H Personalized Medicine Clinic
Classification: Uncertain significance for Transitory neonatal diabetes mellitus. Review status: criteria provided, single submitter. Criteria: K & H Uppaluri Personalized Medicine Clinic Variant Classification & Assertion Criteria_Updated V.1. Collection method: research. Allele origin: somatic. Inheritance: Somatic mutation.
Comment: Mutations in ABCC8 gene are associated with both neonatal diabetes mellitus as well as MODY. Patients with this mutation may have a better response to sulfonylureas. However, no sufficient evidence is found to ascertain the role of this particular variant (rs373737642) in neonatal diabetes yet.

Literature cited by the submitters: PubMed 32027066 (cited by Women's Health and Genetics/Laboratory Corporation of America, LabCorp and Clinical Genomics, Uppaluri K&H Personalized Medicine Clinic); PubMed 16885549 (cited by Clinical Genomics, Uppaluri K&H Personalized Medicine Clinic); PubMed 21989597 (cited by Clinical Genomics, Uppaluri K&H Personalized Medicine Clinic); PubMed 27538677 (cited by Clinical Genomics, Uppaluri K&H Personalized Medicine Clinic); PubMed 18981553 (cited by Clinical Genomics, Uppaluri K&H Personalized Medicine Clinic); PubMed 16613899 (cited by Clinical Genomics, Uppaluri K&H Personalized Medicine Clinic); PubMed 18025408 (cited by Clinical Genomics, Uppaluri K&H Personalized Medicine Clinic); PubMed 32792356 (cited by Clinical Genomics, Uppaluri K&H Personalized Medicine Clinic).

NM_000352.6(ABCC8):c.3989-10C>T

Gene: ABCC8 (ATP binding cassette subfamily C member 8; minus strand). Cytogenetic location: 11p15.1.
Variant type: single nucleotide variant.
Coding change: c.3989-10C>T on transcript NM_000352.6 (MANE Select); 10 bases into the intron before coding-DNA position 3989, C replaced by T.
Molecular consequence: intron variant. On other transcripts: non-coding transcript variant (1).
Genome position (GRCh38, 1-based): chr11:17,397,056, G>A on the plus strand (C>T on the coding strand, the complement: ABCC8 is on the minus strand). VCF-style: chr11-17397056-G-A. GRCh37 (hg19) VCF-style: chr11-17418603-G-A.
Other names: c.3986-10C>T (NM_001351297.2); c.3989-10C>T (NM_001351296.2); c.4055-10C>T (NM_001351295.2); c.3992-10C>T (NM_001287174.3).
Identifiers: ClinVar variation 303755 (VCV000303755.20), dbSNP rs373737642, ClinGen allele CA5902604.